The following is an entry in ClinVar:

ClinVar aggregate classification (germline): Uncertain significance (1 of 4 stars; one submission).

gnomAD v4.1: 11 of 1,575,746 alleles (0.0007%); highest among the groups gnomAD compares: Non-Finnish European, 0.00095%; no homozygotes.

Submission:

GeneDx
Classification: Uncertain significance. Last evaluated: 2025-01-02. Review status: criteria provided, single submitter. Criteria: GeneDx Variant Classification Process June 2021. Collection method: clinical testing. Allele origin: germline. Affected: yes.
Comment: Not observed at significant frequency in large population cohorts (gnomAD); In silico analysis supports that this missense variant has a deleterious effect on protein structure/function; Has not been previously published as pathogenic or benign to our knowledge

NM_052854.4(CREB3L1):c.1085C>T (p.Ser362Phe)

Gene: CREB3L1 (cAMP responsive element binding protein 3 like 1; plus strand). Cytogenetic location: 11p11.2.
Variant type: single nucleotide variant.
Coding change: c.1085C>T on transcript NM_052854.4 (MANE Select); coding-DNA position 1085, C replaced by T.
Protein change: p.Ser362Phe; replaces serine 362 with phenylalanine.
Molecular consequence: missense variant. On other transcripts: non-coding transcript variant (1).
Genome position (GRCh38, 1-based): chr11:46,316,339, C>T. VCF-style: chr11-46316339-C-T. GRCh37 (hg19) VCF-style: chr11-46337890-C-T.
Other names: c.1085C>T, p.Ser362Phe (NM_001425266.1); c.1079C>T, p.Ser360Phe (NM_001425267.1); c.947C>T, p.Ser316Phe (NM_001425268.1); c.821C>T, p.Ser274Phe (NM_001425269.1); short protein forms S274F, S316F, S360F, S362F.
Identifiers: ClinVar variation 4055999 (VCV004055999.1).